The following is an entry in ClinVar:

ClinVar aggregate classification (germline): Uncertain significance (1 of 4 stars; one submission).

Conditions:
Nemaline myopathy 8 (NEM8). Also called: Nemaline myopathy 8, autosomal recessive. Identifiers: Orphanet 171430, MedGen C3809209, MONDO:0014138, OMIM 615348.

Allele frequency attached by ClinVar (database versions not stated): TOPMed below 0.00001; gnomAD 0.00001; gnomAD exomes 0.00001 and 0.00003; ESP Exome Variant Server 0.00008.

Submission:

Labcorp Genetics (formerly Invitae), Labcorp
Classification: Uncertain significance for Nemaline myopathy 8. Last evaluated: 2022-10-24. Review status: criteria provided, single submitter. Criteria: Invitae Variant Classification Sherloc (09022015). Collection method: clinical testing. Allele origin: germline.
Comment: This sequence change replaces glutamic acid, which is acidic and polar, with lysine, which is basic and polar, at codon 71 of the KLHL40 protein (p.Glu71Lys). This variant is present in population databases (rs375331819, gnomAD 0.007%). This variant has not been reported in the literature in individuals affected with KLHL40-related conditions. ClinVar contains an entry for this variant (Variation ID: 1044742). Advanced modeling of protein sequence and biophysical properties (such as structural, functional, and spatial information, amino acid conservation, physicochemical variation, residue mobility, and thermodynamic stability) performed at Invitae indicates that this missense variant is not expected to disrupt KLHL40 protein function. In summary, the available evidence is currently insufficient to determine the role of this variant in disease. Therefore, it has been classified as a Variant of Uncertain Significance.

NM_152393.4(KLHL40):c.211G>A (p.Glu71Lys)

Gene: KLHL40 (kelch like family member 40; plus strand). Cytogenetic location: 3p22.1.
Variant type: single nucleotide variant.
Coding change: c.211G>A on transcript NM_152393.4 (MANE Select); coding-DNA position 211, G replaced by A.
Protein change: p.Glu71Lys; replaces glutamic acid 71 with lysine.
Molecular consequence: missense variant.
Genome position (GRCh38, 1-based): chr3:42,685,829, G>A. VCF-style: chr3-42685829-G-A. GRCh37 (hg19) VCF-style: chr3-42727321-G-A.
Other names: short protein forms E71K.
Identifiers: ClinVar variation 1044742 (VCV001044742.2), dbSNP rs375331819, ClinGen allele CA2336600.